The following is an entry in ClinVar:

ClinVar aggregate classification (germline): Uncertain significance (1 of 4 stars; one submission).

Conditions:
Cardiovascular phenotype. Identifiers: MedGen CN230736.

Submission:

Ambry Genetics
Classification: Uncertain significance for Cardiovascular phenotype. Last evaluated: 2025-12-10. Review status: criteria provided, single submitter. Criteria: Ambry Variant Classification Scheme 2023. Collection method: clinical testing. Allele origin: germline.
Comment: The p.P47L variant (also known as c.140C>T), located in coding exon 2 of the ABCA1 gene, results from a C to T substitution at nucleotide position 140. The proline at codon 47 is replaced by leucine, an amino acid with similar properties. This amino acid position is conserved. In addition, this alteration is predicted to be deleterious by in silico analysis. Based on the available evidence, the clinical significance of this variant remains unclear.

NM_005502.4(ABCA1):c.140C>T (p.Pro47Leu)

Gene: ABCA1 (ATP binding cassette subfamily A member 1; minus strand). Cytogenetic location: 9q31.1.
Variant type: single nucleotide variant.
Coding change: c.140C>T on transcript NM_005502.4 (MANE Select); coding-DNA position 140, C replaced by T.
Protein change: p.Pro47Leu; replaces proline 47 with leucine.
Molecular consequence: missense variant.
Genome position (GRCh38, 1-based): chr9:104,889,122, G>A on the plus strand (C>T on the coding strand, the complement: ABCA1 is on the minus strand). VCF-style: chr9-104889122-G-A. GRCh37 (hg19) VCF-style: chr9-107651403-G-A.
Other names: short protein forms P47L.
Identifiers: ClinVar variation 4613293 (VCV004613293.1).